The following is an entry in ClinVar:

NM_002700.3(POU4F3):c.103T>C (p.Cys35Arg)

Genes: POU4F3 (POU class 4 homeobox 3; plus strand), RBM27-POU4F3 (RBM27-POU4F3 readthrough; plus strand). Cytogenetic location: 5q32.
Variant type: single nucleotide variant.
Coding change: c.103T>C on transcript NM_002700.3 (MANE Select); coding-DNA position 103, T replaced by C.
Protein change: p.Cys35Arg; replaces cysteine 35 with arginine.
Molecular consequence: missense variant.
Genome position (GRCh38, 1-based): chr5:146,339,215, T>C. VCF-style: chr5-146339215-T-C. GRCh37 (hg19) VCF-style: chr5-145718778-T-C.
Other names: short protein forms C35R.
Identifiers: ClinVar variation 164978 (VCV000164978.8), dbSNP rs147927112, ClinGen allele CA177651.

ClinVar aggregate classification (germline): Uncertain significance. Review status: criteria provided, multiple submitters, no conflicts (2 of 4 stars). 4 submissions from 4 submitters: Uncertain significance (4). Last evaluated 2024-09-18.

Allele frequency attached by ClinVar (database versions not stated): ExAC 0.00002; gnomAD 0.00002 and 0.00003; gnomAD exomes 0.00003 and 0.00004; TOPMed 0.00003; ESP Exome Variant Server 0.00008.

Submissions (4):

Blueprint Genetics
Classification: Uncertain significance. Last evaluated: 2024-09-18. Review status: criteria provided, single submitter. Criteria: ACMG Guidelines, 2015. Collection method: clinical testing. Allele origin: germline.

GeneDx
Classification: Uncertain significance. Last evaluated: 2023-05-23. Review status: criteria provided, single submitter. Criteria: GeneDx Variant Classification Process June 2021. Collection method: clinical testing. Allele origin: germline. Affected: yes.
Comment: Reported in the heterozygous state in a patient with bilateral sensorineural hearing loss and myopia in published literature (Sheppard et al., 2018); In silico analysis supports that this missense variant has a deleterious effect on protein structure/function; This variant is associated with the following publications: (PMID: 29907799)

Athena Diagnostics
Classification: Uncertain significance. Last evaluated: 2018-12-28. Review status: criteria provided, single submitter. Criteria: Athena Diagnostics Criteria. Collection method: clinical testing. Allele origin: germline.

Laboratory for Molecular Medicine, Mass General Brigham Personalized Medicine
Classification: Uncertain significance. Last evaluated: 2013-05-15. Review status: criteria provided, single submitter. Criteria: LMM Criteria. Collection method: clinical testing. Allele origin: germline. Observed: 1 variant allele.
Comment: The Cys35Arg variant in the POU4F3 gene has not been reported in individuals wit h hearing loss but has been identified in 0.01% (1/8600) of European American ch romosomes by the NHLBI Exome Sequencing Project (S/; dbSNPrs147927112). Although this variant has been identified in the general population, its frequency is not high enough to rule out a pathogenic role. Comp utational analyses (biochemical amino acid properties, conservation, AlignGVGD, PolyPhen2, and SIFT) suggest that the Cys35Arg variant may impact the protein, t hough this information is not predictive enough to determine pathogenicity. In summary, additional information is needed to determine the clinical significance of this variant.